The following is an entry in ClinVar:

NM_173598.6(KSR2):c.1719C>T (p.Phe573=)

Gene: KSR2 (kinase suppressor of ras 2; minus strand). Cytogenetic location: 12q24.22.
Variant type: single nucleotide variant.
Coding change: c.1719C>T on transcript NM_173598.6 (MANE Select); coding-DNA position 1719, C replaced by T.
Protein change: p.Phe573=; no amino-acid change (phenylalanine 573 retained).
Molecular consequence: synonymous variant.
Genome position (GRCh38, 1-based): chr12:117,531,676, G>A on the plus strand (C>T on the coding strand, the complement: KSR2 is on the minus strand). VCF-style: chr12-117531676-G-A. GRCh37 (hg19) VCF-style: chr12-117969481-G-A.
Other names: c.1632C>T (NM_173598.4).
Identifiers: ClinVar variation 1532957 (VCV001532957.10), dbSNP rs201002406, ClinGen allele CA6815939.

ClinVar aggregate classification (germline): Benign. Review status: criteria provided, single submitter (1 of 4 stars). 2 submissions from 2 submitters: Benign (1). 1 of the submissions does not count toward it. Last evaluated 2025-09-22.

Conditions:
KSR2-related disorder. Also called: KSR2-related condition.

Allele frequency attached by ClinVar (database versions not stated): gnomAD exomes 0.00015 and 0.00041; ExAC 0.00048; 1000 Genomes Project 30x 0.00172; gnomAD 0.00182 and 0.00193; 1000 Genomes Project 0.00200; TOPMed 0.00226; ESP Exome Variant Server 0.00243.
gnomAD v4.1: 501 of 1,604,178 alleles (0.031%); highest among the groups gnomAD compares: African/African-American, 0.59%; 1 homozygote.

Submissions (2):

Labcorp Genetics (formerly Invitae), Labcorp
Classification: Benign. Last evaluated: 2025-09-22. Review status: criteria provided, single submitter. Criteria: Invitae Variant Classification Sherloc (09022015). Collection method: clinical testing. Allele origin: germline.

PreventionGenetics, part of Exact Sciences
Classification: Likely benign for KSR2-related condition. Last evaluated: 2019-09-05. Review status: no assertion criteria provided. Collection method: clinical testing. Allele origin: germline. Not counted in ClinVar's aggregate classification.
Comment: This variant is classified as likely benign based on ACMG/AMP sequence variant interpretation guidelines (Richards et al. 2015 PMID: 25741868, with internal and published modifications).